The following is an entry in ClinVar:

NM_002230.4(JUP):c.2188A>G (p.Ser730Gly)

Gene: JUP (junction plakoglobin; minus strand). Cytogenetic location: 17q21.2.
Variant type: single nucleotide variant.
Coding change: c.2188A>G on transcript NM_002230.4 (MANE Select); coding-DNA position 2188, A replaced by G.
Protein change: p.Ser730Gly; replaces serine 730 with glycine.
Molecular consequence: missense variant.
Genome position (GRCh38, 1-based): chr17:41,755,794, T>C on the plus strand (A>G on the coding strand, the complement: JUP is on the minus strand). VCF-style: chr17-41755794-T-C. GRCh37 (hg19) VCF-style: chr17-39912046-T-C.
Other names: c.2188A>G, p.Ser730Gly (NM_001352773.2, NM_001352774.2, NM_001352775.2 and 3 more transcripts); c.2188A>G (NM_021991.2); short protein forms S730G.
Identifiers: ClinVar variation 1468213 (VCV001468213.13), dbSNP rs1009184280, ClinGen allele CA290694718.
Genomic context (GRCh38, chr17:41,755,794, plus strand): 5'-GCCAGGCCGCCTAGGCCAGCATGTGGTCTGCAGTGGGGTACGGGGGCCTGAGGCCGTCGC[T>C]GTAGGTGTCGATGGGGTAGTCTCCATCCATGTCCATGTGCATCTCCAGCGGGTCAAGGGG-3'
Protein context (NP_002221.1, residues 720-740): MDGDYPIDTY[Ser730Gly]DGLRPPYPTA

ClinVar aggregate classification (germline): Uncertain significance. Review status: criteria provided, multiple submitters, no conflicts (2 of 4 stars). 3 submissions from 3 submitters: Uncertain significance (2). 1 of the submissions does not count toward it. Last evaluated 2025-03-18.

Conditions:
JUP-related disorder. Also called: JUP-related condition.
Cardiovascular phenotype. Identifiers: MedGen CN230736.
Arrhythmogenic right ventricular dysplasia 12. Also called: ARRHYTHMOGENIC RIGHT VENTRICULAR DYSPLASIA, FAMILIAL, 12. Identifiers: MedGen C1969081, MONDO:0012684, OMIM 611528.
Naxos disease (NXD). Also called: CARDIOMYOPATHY, ARRHYTHMOGENIC RIGHT VENTRICULAR, WITH SKIN, HAIR, AND NAIL ABNORMALITIES; WOOLLY HAIR, PALMOPLANTAR KERATODERMA, AND CARDIAC ABNORMALITIES; KERATOSIS PALMOPLANTARIS WITH ARRHYTHMOGENIC CARDIOMYOPATHY; MAL DE NAXOS; PALMOPLANTAR KERATODERMA WITH ARRHYTHMOGENIC RIGHT VENTRICULAR CARDIOMYOPATHY AND WOOLLY HAIR. Identifiers: Orphanet 34217, MedGen C1832600, MONDO:0011017, OMIM 601214.

Allele frequency attached by ClinVar (database versions not stated): gnomAD exomes below 0.00001; TOPMed below 0.00001.
gnomAD v4.1: 6 of 1,612,850 alleles (0.00037%); highest among the groups gnomAD compares: Non-Finnish European, 0.00051%; no homozygotes.

Submissions (3):

Labcorp Genetics (formerly Invitae), Labcorp
Classification: Uncertain significance for Arrhythmogenic right ventricular dysplasia 12; Naxos disease. Last evaluated: 2025-03-18. Review status: criteria provided, single submitter. Criteria: Invitae Variant Classification Sherloc (09022015). Collection method: clinical testing. Allele origin: germline.
Comment: This sequence change replaces serine, which is neutral and polar, with glycine, which is neutral and non-polar, at codon 730 of the JUP protein (p.Ser730Gly). This variant is not present in population databases (gnomAD no frequency). This variant has not been reported in the literature in individuals affected with JUP-related conditions. ClinVar contains an entry for this variant (Variation ID: 1468213). An algorithm developed to predict the effect of missense changes on protein structure and function outputs the following: PolyPhen-2: "Benign". The glycine amino acid residue is found in multiple mammalian species, which suggests that this missense change does not adversely affect protein function. In summary, the available evidence is currently insufficient to determine the role of this variant in disease. Therefore, it has been classified as a Variant of Uncertain Significance.

Ambry Genetics
Classification: Uncertain significance for Cardiovascular phenotype. Last evaluated: 2019-12-10. Review status: criteria provided, single submitter. Criteria: Ambry Variant Classification Scheme 2023. Collection method: clinical testing. Allele origin: germline.
Comment: The p.S730G variant (also known as c.2188A>G), located in coding exon 13 of the JUP gene, results from an A to G substitution at nucleotide position 2188. The serine at codon 730 is replaced by glycine, an amino acid with similar properties. This amino acid position is highly conserved in available vertebrate species. In addition, this alteration is predicted to be tolerated by in silico analysis. Since supporting evidence is limited at this time, the clinical significance of this alteration remains unclear.

PreventionGenetics, part of Exact Sciences
Classification: Uncertain significance for JUP-related condition. Last evaluated: 2023-10-28. Review status: no assertion criteria provided. Collection method: clinical testing. Allele origin: germline. Not counted in ClinVar's aggregate classification.
Comment: The JUP c.2188A>G variant is predicted to result in the amino acid substitution p.Ser730Gly. This variant was reported as uncertain significance in an individual with arrhythmogenic ventricular cardiomyopathy; however, this individual also carried an additional variant in a cardiomyopathy-associated gene. Additionally, this variant did not segregate with disorders within the family (Rawal et al. 2021. PubMed ID: 34317553). This variant has not been reported in a large population database, indicating this variant is rare. At this time, the clinical significance of this variant is uncertain due to the absence of conclusive functional and genetic evidence.